The following is an entry in ClinVar:

ClinVar aggregate classification (germline): Uncertain significance. Review status: criteria provided, multiple submitters, no conflicts (2 of 4 stars). 2 submissions from 2 submitters: Uncertain significance (2). Last evaluated 2026-05-01.

Conditions:
Inborn genetic diseases. Identifiers: MedGen C0950123, MeSH D030342.

Allele frequency attached by ClinVar (database versions not stated): gnomAD exomes below 0.00001.
gnomAD v4.1: 5 of 1,605,560 alleles (0.00031%); highest among the groups gnomAD compares: Non-Finnish European, 0.00042%; no homozygotes.

Submissions (2):

CeGaT Center for Human Genetics Tuebingen
Classification: Uncertain significance. Last evaluated: 2026-05-01. Review status: criteria provided, single submitter. Criteria: CeGaT Center For Human Genetics Tuebingen Variant Classification Criteria Version 2. Collection method: clinical testing. Allele origin: germline. Affected: yes. Observed: 1 variant allele.
Comment: PLCB1: PM2

Ambry Genetics
Classification: Uncertain significance for Inborn genetic diseases. Last evaluated: 2023-05-17. Review status: criteria provided, single submitter. Criteria: Ambry Variant Classification Scheme 2023. Collection method: clinical testing. Allele origin: germline.

NM_015192.4(PLCB1):c.841A>G (p.Asn281Asp)

Gene: PLCB1 (phospholipase C beta 1; plus strand). Cytogenetic location: 20p12.3.
Variant type: single nucleotide variant.
Coding change: c.841A>G on transcript NM_015192.4 (MANE Select); coding-DNA position 841, A replaced by G.
Protein change: p.Asn281Asp; replaces asparagine 281 with aspartic acid.
Molecular consequence: missense variant.
Genome position (GRCh38, 1-based): chr20:8,658,683, A>G. VCF-style: chr20-8658683-A-G. GRCh37 (hg19) VCF-style: chr20-8639330-A-G.
Other names: c.841A>G, p.Asn281Asp (NM_182734.3); short protein forms N281D.
Identifiers: ClinVar variation 2522491 (VCV002522491.4), dbSNP rs2515182083, ClinGen allele CA408264367.
Genomic context (GRCh38, chr20:8,658,683, plus strand): 5'-ATACTTTATCCACCTCTAAAACAAGAGCAAGTCCAAGTATTGATTGAGAAGTATGAACCC[A>G]ACAACAGCCTCGCCAGAAAAGGTCAGTACTTTCTTTCACACCAAAGGGAAGCTCTTGTTT-3'
Protein context (NP_056007.1, residues 271-291): VQVLIEKYEP[Asn281Asp]NSLARKGQIS